The following is an entry in ClinVar:

ClinVar aggregate classification (germline): Conflicting classifications of pathogenicity. Review status: criteria provided, conflicting classifications (1 of 4 stars). 3 submissions from 3 submitters: Uncertain significance (1); Likely benign (2). Last evaluated 2025-07-20.

Conditions:
Inborn genetic diseases. Identifiers: MedGen C0950123, MeSH D030342.
KBG syndrome (KBGS). Also called: ANKRD11-Related KBG Syndrome. Identifiers: Orphanet 2332, MedGen C0220687, MONDO:0007846, OMIM 148050.

Allele frequency attached by ClinVar (database versions not stated): gnomAD 0.00005.
gnomAD v4.1: 117 of 1,612,538 alleles (0.0073%); highest among the groups gnomAD compares: Non-Finnish European, 0.0092%; no homozygotes.

Submissions (3):

Labcorp Genetics (formerly Invitae), Labcorp
Classification: Uncertain significance for KBG syndrome. Last evaluated: 2025-07-20. Review status: criteria provided, single submitter. Criteria: Invitae Variant Classification Sherloc (09022015). Collection method: clinical testing. Allele origin: germline.
Comment: This sequence change replaces arginine, which is basic and polar, with tryptophan, which is neutral and slightly polar, at codon 772 of the ANKRD11 protein (p.Arg772Trp). This variant is present in population databases (rs750596755, gnomAD 0.009%). This variant has not been reported in the literature in individuals affected with ANKRD11-related conditions. ClinVar contains an entry for this variant (Variation ID: 2069297). Invitae Evidence Modeling of protein sequence and biophysical properties (such as structural, functional, and spatial information, amino acid conservation, physicochemical variation, residue mobility, and thermodynamic stability) indicates that this missense variant is not expected to disrupt ANKRD11 protein function with a negative predictive value of 95%. In summary, the available evidence is currently insufficient to determine the role of this variant in disease. Therefore, it has been classified as a Variant of Uncertain Significance.

Blueprint Genetics
Classification: Likely benign. Last evaluated: 2024-10-11. Review status: criteria provided, single submitter. Criteria: ACMG Guidelines, 2015. Collection method: clinical testing. Allele origin: germline.

Ambry Genetics
Classification: Likely benign for Inborn genetic diseases. Last evaluated: 2023-08-10. Review status: criteria provided, single submitter. Criteria: Ambry Variant Classification Scheme 2023. Collection method: clinical testing. Allele origin: germline.

NM_013275.6(ANKRD11):c.2314C>T (p.Arg772Trp)

Gene: ANKRD11 (ankyrin repeat domain 11; minus strand). Cytogenetic location: 16q24.3.
Variant type: single nucleotide variant.
Coding change: c.2314C>T on transcript NM_013275.6 (MANE Select); coding-DNA position 2314, C replaced by T.
Protein change: p.Arg772Trp; replaces arginine 772 with tryptophan.
Molecular consequence: missense variant.
Genome position (GRCh38, 1-based): chr16:89,284,228, G>A on the plus strand (C>T on the coding strand, the complement: ANKRD11 is on the minus strand). VCF-style: chr16-89284228-G-A. GRCh37 (hg19) VCF-style: chr16-89350636-G-A.
Other names: c.2314C>T, p.Arg772Trp (NM_001256182.2, NM_001256183.2); c.2314C>T (NM_013275.4); short protein forms R772W.
Identifiers: ClinVar variation 2069297 (VCV002069297.7), dbSNP rs750596755, ClinGen allele CA8242597.